The following is an entry in ClinVar:

NM_000089.4(COL1A2):c.2488C>G (p.Arg830Gly)

Gene: COL1A2 (collagen type I alpha 2 chain; plus strand). Cytogenetic location: 7q21.3.
Variant type: single nucleotide variant.
Coding change: c.2488C>G on transcript NM_000089.4 (MANE Select); coding-DNA position 2488, C replaced by G.
Protein change: p.Arg830Gly; replaces arginine 830 with glycine.
Molecular consequence: missense variant.
Genome position (GRCh38, 1-based): chr7:94,423,041, C>G. VCF-style: chr7-94423041-C-G. GRCh37 (hg19) VCF-style: chr7-94052353-C-G.
Other names: short protein forms R830G.
Identifiers: ClinVar variation 2147883 (VCV002147883.4), dbSNP rs990076088, ClinGen allele CA162937990.

ClinVar aggregate classification (germline): Uncertain significance (1 of 4 stars; one submission).

Conditions:
Ehlers-Danlos syndrome, classic type, 1 (EDSCL1). Also called: Ehlers-Danlos Syndrome, Classic Type, COL5A1-Related; EHLERS-DANLOS SYNDROME, GRAVIS TYPE; EHLERS-DANLOS SYNDROME, SEVERE CLASSIC TYPE; Ehlers-Danlos syndrome, type 1; EDS I. Identifiers: MedGen C0268335, MONDO:0019567, OMIM 130000.
Osteogenesis imperfecta type I (OI1). Also called: OI, TYPE I; OSTEOGENESIS IMPERFECTA TARDA; OSTEOGENESIS IMPERFECTA WITH BLUE SCLERAE; Osteogenesis imperfecta type 1; Classic Non-deforming Osteogenesis Imperfecta with Blue Sclerae; Lobstein's Disease. Identifiers: Orphanet 216796, Orphanet 666, MedGen C0023931, MONDO:0008146, OMIM 166200. Disease mechanism: loss of function.

Allele frequency attached by ClinVar (database versions not stated): gnomAD 0.00002; TOPMed 0.00002.

Submission:

Labcorp Genetics (formerly Invitae), Labcorp
Classification: Uncertain significance for Osteogenesis imperfecta type I; Ehlers-Danlos syndrome, classic type, 1. Last evaluated: 2025-03-27. Review status: criteria provided, single submitter. Criteria: Invitae Variant Classification Sherloc (09022015). Collection method: clinical testing. Allele origin: germline.
Comment: This sequence change replaces arginine, which is basic and polar, with glycine, which is neutral and non-polar, at codon 830 of the COL1A2 protein (p.Arg830Gly). This variant is present in population databases (no rsID available, gnomAD 0.007%). This variant has not been reported in the literature in individuals affected with COL1A2-related conditions. ClinVar contains an entry for this variant (Variation ID: 2147883). Invitae Evidence Modeling of protein sequence and biophysical properties (such as structural, functional, and spatial information, amino acid conservation, physicochemical variation, residue mobility, and thermodynamic stability) indicates that this missense variant is not expected to disrupt COL1A2 protein function with a negative predictive value of 80%. In summary, the available evidence is currently insufficient to determine the role of this variant in disease. Therefore, it has been classified as a Variant of Uncertain Significance.